The following is an entry in ClinVar:

ClinVar aggregate classification (germline): Conflicting classifications of pathogenicity. Review status: criteria provided, conflicting classifications (1 of 4 stars). 2 submissions from 2 submitters: Uncertain significance (1); Likely benign (1). Last evaluated 2025-11-25.

Conditions:
Cardiovascular phenotype. Identifiers: MedGen CN230736.
Long QT syndrome (LQTS). Identifiers: MedGen C0023976, MeSH D008133, MONDO:0002442. Disease mechanism: loss of function. Inheritance: Various modes of inheritance.

Allele frequency attached by ClinVar (database versions not stated): gnomAD exomes below 0.00001.
gnomAD v4.1: 5 of 1,613,606 alleles (0.00031%); highest among the groups gnomAD compares: Admixed American, 0.0067%; no homozygotes.

Submissions (2):

Labcorp Genetics (formerly Invitae), Labcorp
Classification: Likely benign for Long QT syndrome. Last evaluated: 2025-11-25. Review status: criteria provided, single submitter. Criteria: Invitae Variant Classification Sherloc (09022015). Collection method: clinical testing. Allele origin: germline.

Ambry Genetics
Classification: Uncertain significance for Cardiovascular phenotype. Last evaluated: 2020-08-04. Review status: criteria provided, single submitter. Criteria: Ambry Variant Classification Scheme 2023. Collection method: clinical testing. Allele origin: germline.
Comment: The p.G1738D variant (also known as c.5213G>A), located in coding exon 42 of the CACNA1C gene, results from a G to A substitution at nucleotide position 5213. The glycine at codon 1738 is replaced by aspartic acid, an amino acid with similar properties. This amino acid position is not well conserved in available vertebrate species. In addition, the in silico prediction for this alteration is inconclusive. Since supporting evidence is limited at this time, the clinical significance of this alteration remains unclear.

NM_000719.7(CACNA1C):c.5213G>A (p.Gly1738Asp)

Genes: CACNA1C (calcium voltage-gated channel subunit alpha1 C; plus strand), CACNA1C-AS1 (CACNA1C antisense RNA 1; minus strand). Cytogenetic location: 12p13.33.
Variant type: single nucleotide variant.
Coding change: c.5213G>A on transcript NM_000719.7 (MANE Select); coding-DNA position 5213, G replaced by A.
Protein change: p.Gly1738Asp; replaces glycine 1738 with aspartic acid.
Molecular consequence: missense variant.
Genome position (GRCh38, 1-based): chr12:2,679,565, G>A. VCF-style: chr12-2679565-G-A. GRCh37 (hg19) VCF-style: chr12-2788731-G-A.
Other names: c.5357G>A, p.Gly1786Asp (NM_001129827.2, NM_199460.4); c.5336G>A, p.Gly1779Asp (NM_001129829.2); c.5213G>A, p.Gly1738Asp (NM_001129830.3, NM_001129840.2, NM_001129841.2 and 4 more transcripts); c.5297G>A, p.Gly1766Asp (NM_001129831.2); c.5273G>A, p.Gly1758Asp (NM_001129832.2); c.5270G>A, p.Gly1757Asp (NM_001129833.2, NM_001129834.2, NM_001129835.2); c.5264G>A, p.Gly1755Asp (NM_001129836.2); c.5237G>A, p.Gly1746Asp (NM_001129837.2, NM_001129838.2); and 3 more; short protein forms G1738D, G1744D, G1758D, G1766D, G1727D, G1735D, G1755D, G1757D.
Identifiers: ClinVar variation 1746122 (VCV001746122.5), dbSNP rs1312429867, ClinGen allele CA383378738.